The following is an entry in ClinVar:

ClinVar aggregate classification (germline): Benign. Review status: criteria provided, multiple submitters, no conflicts (2 of 4 stars). 6 submissions from 6 submitters: Benign (5). 1 of the submissions does not count toward it. Last evaluated 2025-10-22.

Conditions:
Inborn genetic diseases. Identifiers: MedGen C0950123, MeSH D030342.

Allele frequency attached by ClinVar (database versions not stated): gnomAD exomes 0.00380; ExAC 0.00462; 1000 Genomes Project 0.01278; 1000 Genomes Project 30x 0.01374; ESP Exome Variant Server 0.01469; gnomAD 0.01499 and 0.01619; TOPMed 0.01714.
gnomAD v4.1: 4,466 of 1,614,094 alleles (0.28%); highest among the groups gnomAD compares: African/African-American, 5.1%; 110 homozygotes.

Submissions (18):

Athena Diagnostics
Classification: Benign. Last evaluated: 2025-10-22. Review status: criteria provided, single submitter. Criteria: Athena Diagnostics Criteria. Collection method: clinical testing. Allele origin: unknown.
Comment: The frequency of this variant in the general population is higher than would generally be expected for pathogenic variants in this gene.

GeneDx
Classification: Benign. Last evaluated: 2021-05-04. Review status: criteria provided, single submitter. Criteria: GeneDx Variant Classification Process June 2021. Collection method: clinical testing. Allele origin: germline. Affected: yes.

Labcorp Genetics (formerly Invitae), Labcorp
Classification: Benign. Last evaluated: 2017-05-08. Review status: criteria provided, single submitter. Criteria: Invitae Variant Classification Sherloc (09022015). Collection method: clinical testing. Allele origin: germline.

Ambry Genetics
Classification: Benign for Inborn genetic diseases. Last evaluated: 2015-10-22. Review status: criteria provided, single submitter. Criteria: Ambry Variant Classification Scheme 2023. Collection method: clinical testing. Allele origin: germline.

Breakthrough Genomics
Classification: Benign. Review status: criteria provided, single submitter. Criteria: ACMG Guidelines, 2015. Collection method: not provided. Allele origin: germline. Inheritance: Autosomal recessive inheritance. Affected: yes.

Mayo Clinic Laboratories, Mayo Clinic
Classification: Likely benign. Last evaluated: 2016-02-29. Review status: no assertion criteria provided. Collection method: clinical testing. Allele origin: unknown. Not counted in ClinVar's aggregate classification.

Dr. Peter K. Rogan Lab, Western University
No classification provided (evidence only). Condition: Colon adenocarcinoma. Review status: no classification provided. Collection method: in vitro. Allele origin: not applicable. Functional consequence: retained intron. Not counted in ClinVar's aggregate classification.

Dr. Peter K. Rogan Lab, Western University
No classification provided (evidence only). Condition: Colon adenocarcinoma. Review status: no classification provided. Collection method: in vitro. Allele origin: not applicable. Functional consequence: retained intron. Not counted in ClinVar's aggregate classification.

Dr. Peter K. Rogan Lab, Western University
No classification provided (evidence only). Condition: Uterine corpus endometrial carcinoma. Review status: no classification provided. Collection method: in vitro. Allele origin: not applicable. Functional consequence: retained intron. Not counted in ClinVar's aggregate classification.

Dr. Peter K. Rogan Lab, Western University
No classification provided (evidence only). Condition: Cervical cancer. Review status: no classification provided. Collection method: in vitro. Allele origin: not applicable. Functional consequence: retained intron. Not counted in ClinVar's aggregate classification.

Dr. Peter K. Rogan Lab, Western University
No classification provided (evidence only). Condition: Sarcoma. Review status: no classification provided. Collection method: in vitro. Allele origin: not applicable. Functional consequence: retained intron. Not counted in ClinVar's aggregate classification.

Dr. Peter K. Rogan Lab, Western University
No classification provided (evidence only). Condition: Sarcoma. Review status: no classification provided. Collection method: in vitro. Allele origin: not applicable. Functional consequence: retained intron. Not counted in ClinVar's aggregate classification.

Dr. Peter K. Rogan Lab, Western University
No classification provided (evidence only). Condition: Hepatocellular carcinoma. Review status: no classification provided. Collection method: in vitro. Allele origin: not applicable. Functional consequence: retained intron. Not counted in ClinVar's aggregate classification.

Dr. Peter K. Rogan Lab, Western University
No classification provided (evidence only). Condition: Ovarian serous cystadenocarcinoma. Review status: no classification provided. Collection method: in vitro. Allele origin: not applicable. Functional consequence: retained intron. Not counted in ClinVar's aggregate classification.

Dr. Peter K. Rogan Lab, Western University
No classification provided (evidence only). Condition: Ovarian serous cystadenocarcinoma. Review status: no classification provided. Collection method: in vitro. Allele origin: not applicable. Functional consequence: retained intron. Not counted in ClinVar's aggregate classification.

Dr. Peter K. Rogan Lab, Western University
No classification provided (evidence only). Condition: Ovarian serous cystadenocarcinoma. Review status: no classification provided. Collection method: in vitro. Allele origin: not applicable. Functional consequence: retained intron. Not counted in ClinVar's aggregate classification.

Dr. Peter K. Rogan Lab, Western University
No classification provided (evidence only). Condition: Uterine carcinosarcoma. Review status: no classification provided. Collection method: in vitro. Allele origin: not applicable. Functional consequence: retained intron. Not counted in ClinVar's aggregate classification.

Dr. Peter K. Rogan Lab, Western University
No classification provided (evidence only). Condition: Malignant tumor of esophagus. Review status: no classification provided. Collection method: in vitro. Allele origin: not applicable. Functional consequence: retained intron. Not counted in ClinVar's aggregate classification.

NM_000144.5(FXN):c.226A>G (p.Met76Val)

Gene: FXN (frataxin; plus strand). Cytogenetic location: 9q21.11.
Variant type: single nucleotide variant.
Coding change: c.226A>G on transcript NM_000144.5 (MANE Select); coding-DNA position 226, A replaced by G.
Protein change: p.Met76Val; replaces methionine 76 with valine.
Molecular consequence: missense variant.
Genome position (GRCh38, 1-based): chr9:69,046,445, A>G. VCF-style: chr9-69046445-A-G. GRCh37 (hg19) VCF-style: chr9-71661361-A-G.
Other names: NC_000009.11:g.71661361A>G; c.226A>G, p.Met76Val (NM_181425.3); short protein forms M76V.
Identifiers: ClinVar variation 263542 (VCV000263542.17), dbSNP rs59907886, ClinGen allele CA5072670.
Genomic context (GRCh38, chr9:69,046,445, plus strand): 5'-AGTTCGAACCAACGTGGCCTCAACCAGATTTGGAATGTCAAAAAGCAGAGTGTCTATTTG[A>G]TGAATTTGAGGAAATCTGGAACTTTGGGCCACCCAGGGTAAGATAAAACACCTTCCACGT-3'
Protein context (NP_000135.2, residues 66-86): WNVKKQSVYL[Met76Val]NLRKSGTLGH